The following is an entry in ClinVar:

NM_001040108.2(MLH3):c.3426C>G (p.Phe1142Leu)

Gene: MLH3 (mutL homolog 3; minus strand). Cytogenetic location: 14q24.3.
Variant type: single nucleotide variant.
Coding change: c.3426C>G on transcript NM_001040108.2 (MANE Select); coding-DNA position 3426, C replaced by G.
Protein change: p.Phe1142Leu; replaces phenylalanine 1142 with leucine.
Molecular consequence: missense variant.
Genome position (GRCh38, 1-based): chr14:75,041,654, G>C on the plus strand (C>G on the coding strand, the complement: MLH3 is on the minus strand). VCF-style: chr14-75041654-G-C. GRCh37 (hg19) VCF-style: chr14-75508357-G-C.
Other names: c.3426C>G, p.Phe1142Leu (NM_014381.3); short protein forms F1142L.
Identifiers: ClinVar variation 1731307 (VCV001731307.2), dbSNP rs2139493894, ClinGen allele CA390430777.
Genomic context (GRCh38, chr14:75,041,654, plus strand): 5'-GAAAAACTGCTACAGACCCACCTCTGGATAACGGGCAAATACTGGATTGTCCCATTCTGA[G>C]AACAAAGACTGAAGCGATTCGCTACTAACAGTATCATCCACAGTATCTAGGGCAAAAGGG-3'
Protein context (NP_001035197.1, residues 1132-1152): TVSSESLQSL[Phe1142Leu]SEWDNPVFAR

ClinVar aggregate classification (germline): Uncertain significance (1 of 4 stars; one submission).

Submission:

Ambry Genetics
Classification: Uncertain significance. Last evaluated: 2022-05-07. Review status: criteria provided, single submitter. Criteria: Ambry Variant Classification Scheme 2023. Collection method: clinical testing. Allele origin: germline.
Comment: The p.F1142L variant (also known as c.3426C>G), located in coding exon 3 of the MLH3 gene, results from a C to G substitution at nucleotide position 3426. The phenylalanine at codon 1142 is replaced by leucine, an amino acid with highly similar properties. This amino acid position is conserved. In addition, this alteration is predicted to be tolerated by in silico analysis. Since supporting evidence is limited at this time, the clinical significance of this alteration remains unclear.